The following is an entry in ClinVar:

NM_003906.5(MCM3AP):c.1762T>C (p.Cys588Arg)

Gene: MCM3AP (minichromosome maintenance complex component 3 associated protein; minus strand). Cytogenetic location: 21q22.3.
Variant type: single nucleotide variant.
Coding change: c.1762T>C on transcript NM_003906.5 (MANE Select); coding-DNA position 1762, T replaced by C.
Protein change: p.Cys588Arg; replaces cysteine 588 with arginine.
Molecular consequence: missense variant.
Genome position (GRCh38, 1-based): chr21:46,277,623, A>G on the plus strand (T>C on the coding strand, the complement: MCM3AP is on the minus strand). VCF-style: chr21-46277623-A-G. GRCh37 (hg19) VCF-style: chr21-47697537-A-G.
Other names: short protein forms C588R.
Identifiers: ClinVar variation 2187866 (VCV002187866.4), dbSNP rs1241387820, ClinGen allele CA410527758.

ClinVar aggregate classification (germline): Uncertain significance (1 of 4 stars; one submission).

Allele frequency attached by ClinVar (database versions not stated): gnomAD exomes 0.00001; TOPMed 0.00028; gnomAD 0.00032.
gnomAD v4.1: 57 of 1,612,490 alleles (0.0035%); highest among the groups gnomAD compares: Admixed American, 0.087%; no homozygotes.

Submission:

Labcorp Genetics (formerly Invitae), Labcorp
Classification: Uncertain significance. Last evaluated: 2021-12-31. Review status: criteria provided, single submitter. Criteria: Invitae Variant Classification Sherloc (09022015). Collection method: clinical testing. Allele origin: germline.
Comment: In summary, the available evidence is currently insufficient to determine the role of this variant in disease. Therefore, it has been classified as a Variant of Uncertain Significance. Algorithms developed to predict the effect of missense changes on protein structure and function (SIFT, PolyPhen-2, Align-GVGD) all suggest that this variant is likely to be tolerated. This variant has not been reported in the literature in individuals affected with MCM3AP-related conditions. This variant is present in population databases (no rsID available, gnomAD 0.02%). This sequence change replaces cysteine, which is neutral and slightly polar, with arginine, which is basic and polar, at codon 588 of the MCM3AP protein (p.Cys588Arg).